The following is an entry in ClinVar:

ClinVar aggregate classification (germline): Uncertain significance (1 of 4 stars; one submission).

Allele frequency attached by ClinVar (database versions not stated): gnomAD exomes 0.00001; ExAC 0.00002; TOPMed 0.00002; gnomAD 0.00003.
gnomAD v4.1: 15 of 1,613,904 alleles (0.00093%); highest among the groups gnomAD compares: East Asian, 0.0045%; no homozygotes.

Submission:

Labcorp Genetics (formerly Invitae), Labcorp
Classification: Uncertain significance. Last evaluated: 2024-06-04. Review status: criteria provided, single submitter. Criteria: Invitae Variant Classification Sherloc (09022015). Collection method: clinical testing. Allele origin: germline.
Comment: This sequence change replaces tyrosine, which is neutral and polar, with cysteine, which is neutral and slightly polar, at codon 215 of the MOCS3 protein (p.Tyr215Cys). This variant is present in population databases (rs775006587, gnomAD 0.006%). This variant has not been reported in the literature in individuals affected with MOCS3-related conditions. ClinVar contains an entry for this variant (Variation ID: 1910032). An algorithm developed to predict the effect of missense changes on protein structure and function (PolyPhen-2) suggests that this variant is likely to be disruptive. In summary, the available evidence is currently insufficient to determine the role of this variant in disease. Therefore, it has been classified as a Variant of Uncertain Significance.

NM_014484.5(MOCS3):c.644A>G (p.Tyr215Cys)

Gene: MOCS3 (molybdenum cofactor synthesis 3; plus strand). Cytogenetic location: 20q13.13.
Variant type: single nucleotide variant.
Coding change: c.644A>G on transcript NM_014484.5 (MANE Select); coding-DNA position 644, A replaced by G.
Protein change: p.Tyr215Cys; replaces tyrosine 215 with cysteine.
Molecular consequence: missense variant.
Genome position (GRCh38, 1-based): chr20:50,959,486, A>G. VCF-style: chr20-50959486-A-G. GRCh37 (hg19) VCF-style: chr20-49576023-A-G.
Other names: short protein forms Y215C.
Identifiers: ClinVar variation 1910032 (VCV001910032.5), dbSNP rs775006587, ClinGen allele CA9909450.